The following is an entry in ClinVar:

NM_001395159.1(UNC79):c.6361A>G (p.Met2121Val)

Gene: UNC79 (unc-79 subunit of NALCN channel complex; plus strand). Cytogenetic location: 14q32.12.
Variant type: single nucleotide variant.
Coding change: c.6361A>G on transcript NM_001395159.1 (MANE Select); coding-DNA position 6361, A replaced by G.
Protein change: p.Met2121Val; replaces methionine 2121 with valine.
Molecular consequence: missense variant.
Genome position (GRCh38, 1-based): chr14:93,643,681, A>G. VCF-style: chr14-93643681-A-G. GRCh37 (hg19) VCF-style: chr14-94110027-A-G.
Other names: c.6295A>G, p.Met2099Val (NM_001346218.2); c.5614A>G, p.Met1872Val (NM_020818.5); short protein forms M1872V, M2099V, M2121V.
Identifiers: ClinVar variation 4755881 (VCV004755881.1).

ClinVar aggregate classification (germline): Uncertain significance (1 of 4 stars; one submission).

gnomAD v4.1: 1 of 1,612,748 alleles (0.000062%); highest among the groups gnomAD compares: Non-Finnish European, 0.000085%; no homozygotes.

Submission:

GeneDx
Classification: Uncertain significance. Last evaluated: 2025-08-01. Review status: criteria provided, single submitter. Criteria: GeneDx Variant Classification Process June 2021. Collection method: clinical testing. Allele origin: germline. Affected: yes.
Comment: Not observed at significant frequency in large population cohorts (gnomAD); In silico analysis suggests that this missense variant does not alter protein structure/function; Has not been previously published as pathogenic or benign to our knowledge